The following is an entry in ClinVar:

ClinVar aggregate classification (germline): Uncertain significance (1 of 4 stars; one submission).

Conditions:
Leigh syndrome (NULS). Also called: LEIGH SYNDROME, NUCLEAR; Leigh Syndrome (mtDNA deletion); Leigh's necrotizing encephalopathy; Leigh's disease; Leigh's syndrome; Leigh Disease. Identifiers: Orphanet 506, MedGen C2931891, MONDO:0009723, OMIM 256000.

Allele frequency attached by ClinVar (database versions not stated): TOPMed 0.00006; gnomAD 0.00007; ExAC 0.00008; gnomAD exomes 0.00008.
gnomAD v4.1: 132 of 1,612,848 alleles (0.0082%); highest among the groups gnomAD compares: Middle Eastern, 0.21%; 1 homozygote.

Submissions (3):

Broad Center for Mendelian Genomics, Broad Institute of MIT and Harvard
Classification: Uncertain significance for Leigh syndrome. Last evaluated: 2023-05-02. Review status: criteria provided, single submitter. Criteria: ACMG Guidelines, 2015. Collection method: curation. Allele origin: germline. Inheritance: Autosomal recessive inheritance.
Comment: The homozygous c.1062+2T>G variant in PYROXD2 was identified by our study in 2 siblings with cerebral cortical atrophy, bilateral tonic-clonic seizure, and global developmental delay. The c.1062+2T>G variant in PYROXD2 has not been previously reported in individuals with neurological disease, but has been identified in 0.015% (10/67942) of European (non-Finnish) chromosomes by the Genome Aggregation Database (gnomAD; dbSNP ID: rs199640378). Although this variant has been seen in the general population in a heterozygous state, its frequency is not high enough to rule out a pathogenic role. This variant is located in the 5' splice region. Computational tools predict a splicing impact, though this information is not predictive enough to determine pathogenicity. It is of note that loss of function of PYROXD2 in an autosomal recessive disease has not yet been established based on the criteria laid out in Abou-Tayoun, 2018 (PMID: 30192042). In summary, the clinical significance of the c.1062+2T>G variant is uncertain. ACMG/AMP Criteria applied: PM3_Supporting (Richards 2015).

Dr. Peter K. Rogan Lab, Western University
No classification provided (evidence only). Condition: Nonpapillary renal cell carcinoma. Review status: no classification provided. Collection method: in vitro. Allele origin: not applicable. Functional consequence: skipped exon, retained intron. Not counted in ClinVar's aggregate classification.

Dr. Peter K. Rogan Lab, Western University
No classification provided (evidence only). Condition: Cholangiocarcinoma. Review status: no classification provided. Collection method: in vitro. Allele origin: not applicable. Functional consequence: retained intron. Not counted in ClinVar's aggregate classification.

NM_032709.3(PYROXD2):c.1062+2T>G

Gene: PYROXD2 (pyridine nucleotide-disulphide oxidoreductase domain 2; minus strand). Cytogenetic location: 10q24.2.
Variant type: single nucleotide variant.
Coding change: c.1062+2T>G on transcript NM_032709.3 (MANE Select); the canonical splice donor site of the intron after coding-DNA position 1062, T replaced by G.
Molecular consequence: splice donor variant.
Genome position (GRCh38, 1-based): chr10:98,392,430, A>C on the plus strand (T>G on the coding strand, the complement: PYROXD2 is on the minus strand). VCF-style: chr10-98392430-A-C. GRCh37 (hg19) VCF-style: chr10-100152187-A-C.
Other names: NM_032709.3:c.1062+2T>G; NC_000010.10:g.100152187A>C.
Identifiers: ClinVar variation 2500901 (VCV002500901.2), dbSNP rs199640378, ClinGen allele CA5638313.
Genomic context (GRCh38, chr10:98,392,430, plus strand): 5'-CACGATTTCTAACCCCTGTTTTGGCAGACATCTAAGCTCCACCCTCCTGCCCACAGCCTC[A>C]CCTGTGGCGTCAGCTTCAGGAAGGTGATCTGCGGTGATGTGTTGGACAGCACCATTTTGC-3'